The following is an entry in ClinVar:

NM_003072.5(SMARCA4):c.3351G>A (p.Ala1117=)

Gene: SMARCA4 (SWI/SNF related BAF chromatin remodeling complex subunit ATPase 4; plus strand). Cytogenetic location: 19p13.2.
Variant type: single nucleotide variant.
Coding change: c.3351G>A on transcript NM_003072.5 (MANE Select); coding-DNA position 3351, G replaced by A.
Protein change: p.Ala1117=; no amino-acid change (alanine 1117 retained).
Molecular consequence: synonymous variant. On other transcripts: non-coding transcript variant (1).
Genome position (GRCh38, 1-based): chr19:11,027,919, G>A. VCF-style: chr19-11027919-G-A. GRCh37 (hg19) VCF-style: chr19-11138595-G-A.
Other names: c.3351G>A, p.Ala1117= (NM_001128844.3, NM_001128845.2, NM_001128846.2 and 5 more transcripts).
Identifiers: ClinVar variation 480558 (VCV000480558.21), dbSNP rs781587481, ClinGen allele CA9204389.
Genomic context (GRCh38, chr19:11,027,919, plus strand): 5'-CAAAGTGCTGCTGTTCTGCCAAATGACCTCCCTCATGACCATCATGGAAGATTACTTTGC[G>A]TATCGCGGCTTTAAATACCTCAGGCTTGATGGTGAGTATGAGCCAGTGAGGCGTTTCTTA-3'
Protein context (NP_003063.2, residues 1107-1127): SLMTIMEDYF[Ala1117=]YRGFKYLRLD

ClinVar aggregate classification (germline): Benign/Likely benign. Review status: criteria provided, multiple submitters, no conflicts (2 of 4 stars). 6 submissions from 6 submitters: Benign (1); Likely benign (4). 1 of the submissions does not count toward it. Last evaluated 2026-07-14.

Conditions:
Hereditary cancer-predisposing syndrome. Also called: Tumor predisposition; Neoplastic Syndromes, Hereditary; Hereditary Cancer Syndrome; Hereditary neoplastic syndrome. Identifiers: Orphanet 140162, MedGen C0027672, MeSH D009386, MONDO:0015356.
SMARCA4-related disorder. Also called: SMARCA4-related condition.
Rhabdoid tumor predisposition syndrome 2 (RTPS2). Identifiers: Orphanet 231108, Orphanet 69077, MedGen C2750074, MONDO:0013224, OMIM 613325.

Allele frequency attached by ClinVar (database versions not stated): ExAC 0.00002.
gnomAD v4.1: 20 of 1,614,058 alleles (0.0012%); highest among the groups gnomAD compares: African/African-American, 0.012%; no homozygotes.

Submissions (6):

Myriad Genetics, Inc.
Classification: Benign for Rhabdoid tumor predisposition syndrome 2. Last evaluated: 2026-07-14. Review status: criteria provided, single submitter. Criteria: Myriad Autosomal Dominant, Autosomal Recessive and X-Linked Classification Criteria (2023). Collection method: clinical testing. Allele origin: unknown.
Comment: This variant is considered benign. This variant is a silent/synonymous amino acid change and it is not expected to impact splicing.

Labcorp Genetics (formerly Invitae), Labcorp
Classification: Likely benign for Rhabdoid tumor predisposition syndrome 2. Last evaluated: 2025-12-23. Review status: criteria provided, single submitter. Criteria: Invitae Variant Classification Sherloc (09022015). Collection method: clinical testing. Allele origin: germline.

Blueprint Genetics
Classification: Likely benign. Last evaluated: 2022-01-20. Review status: criteria provided, single submitter. Criteria: ACMG Guidelines, 2015. Collection method: clinical testing. Allele origin: germline.

Sema4
Classification: Likely benign for Hereditary cancer-predisposing syndrome. Last evaluated: 2021-10-31. Review status: criteria provided, single submitter. Criteria: Sema4 Curation Guidelines. Collection method: curation. Allele origin: germline.

Ambry Genetics
Classification: Likely benign for Hereditary cancer-predisposing syndrome. Last evaluated: 2016-06-06. Review status: criteria provided, single submitter. Criteria: Ambry Variant Classification Scheme 2023. Collection method: clinical testing. Allele origin: germline.

PreventionGenetics, part of Exact Sciences
Classification: Likely benign for SMARCA4-related condition. Last evaluated: 2023-05-17. Review status: no assertion criteria provided. Collection method: clinical testing. Allele origin: germline. Not counted in ClinVar's aggregate classification.
Comment: This variant is classified as likely benign based on ACMG/AMP sequence variant interpretation guidelines (Richards et al. 2015 PMID: 25741868, with internal and published modifications).